The following is an entry in ClinVar:

ClinVar aggregate classification (germline): Uncertain significance. Review status: criteria provided, multiple submitters, no conflicts (2 of 4 stars). 2 submissions from 2 submitters: Uncertain significance (2). Last evaluated 2025-09-26.

Conditions:
Epidermolysis bullosa simplex with nail dystrophy (EBS5D). Identifiers: MedGen C4225309, MONDO:0014661, OMIM 616487.
Epidermolysis bullosa simplex, Ogna type (EBS5A). Also called: EPIDERMOLYSIS BULLOSA SIMPLEX 5A, OGNA TYPE; Pidermolysis bullosa simplex 5A, Ogna type. Identifiers: Orphanet 79401, MedGen C0432317, MONDO:0007555, OMIM 131950.
Epidermolysis bullosa simplex 5C, with pyloric atresia (EBS5C). Also called: PLEC1-Related Epidermolysis Bullosa with Pyloric Atresia; PLEC-Related Epidermolysis Bullosa with Pyloric Atresia; Epidermolysis bullosa simplex with pyloric atresia. Identifiers: Orphanet 158684, MedGen C2677349, MONDO:0012807, OMIM 612138.
Autosomal recessive limb-girdle muscular dystrophy type 2Q (LGMDR17). Also called: MUSCULAR DYSTROPHY, LIMB-GIRDLE, AUTOSOMAL RECESSIVE 17. Identifiers: Orphanet 254361, MedGen C3150989, MONDO:0013390, OMIM 613723.
Epidermolysis bullosa simplex 5B, with muscular dystrophy (EBS5B). Also called: EPIDERMOLYSIS BULLOSA SIMPLEX AND LIMB-GIRDLE MUSCULAR DYSTROPHY; Epidermolysis bullosa simplex with muscular dystrophy. Identifiers: Orphanet 257, MedGen C2931072, MONDO:0009181, OMIM 226670.
Inborn genetic diseases. Identifiers: MedGen C0950123, MeSH D030342.

Allele frequency attached by ClinVar (database versions not stated): gnomAD 0.00001; gnomAD exomes 0.00001; TOPMed 0.00003.
gnomAD v4.1: 18 of 1,602,524 alleles (0.0011%); highest among the groups gnomAD compares: East Asian, 0.0045%; no homozygotes.

Submissions (2):

Ambry Genetics
Classification: Uncertain significance for Inborn genetic diseases. Last evaluated: 2025-09-26. Review status: criteria provided, single submitter. Criteria: Ambry Variant Classification Scheme 2023. Collection method: clinical testing. Allele origin: germline.

Labcorp Genetics (formerly Invitae), Labcorp
Classification: Uncertain significance for Autosomal recessive limb-girdle muscular dystrophy type 2Q; Epidermolysis bullosa simplex, Ogna type; Epidermolysis bullosa simplex with nail dystrophy; Epidermolysis bullosa simplex 5C, with pyloric atresia; Epidermolysis bullosa simplex 5B, with muscular dystrophy. Last evaluated: 2022-11-05. Review status: criteria provided, single submitter. Criteria: Invitae Variant Classification Sherloc (09022015). Collection method: clinical testing. Allele origin: germline.
Comment: In summary, the available evidence is currently insufficient to determine the role of this variant in disease. Therefore, it has been classified as a Variant of Uncertain Significance. Algorithms developed to predict the effect of missense changes on protein structure and function are either unavailable or do not agree on the potential impact of this missense change (SIFT: "Deleterious"; PolyPhen-2: "Probably Damaging"; Align-GVGD: "Class C15"). This variant has not been reported in the literature in individuals affected with PLEC-related conditions. The frequency data for this variant in the population databases is considered unreliable, as metrics indicate poor data quality at this position in the gnomAD database. This sequence change replaces arginine, which is basic and polar, with cysteine, which is neutral and slightly polar, at codon 2411 of the PLEC protein (p.Arg2411Cys).

NM_201384.3(PLEC):c.7150C>T (p.Arg2384Cys)

Gene: PLEC (plectin; minus strand). Cytogenetic location: 8q24.3.
Variant type: single nucleotide variant.
Coding change: c.7150C>T on transcript NM_201384.3 (MANE Select); coding-DNA position 7150, C replaced by T.
Protein change: p.Arg2384Cys; replaces arginine 2384 with cysteine.
Molecular consequence: missense variant. On other transcripts: intron variant (1).
Genome position (GRCh38, 1-based): chr8:143,922,779, G>A on the plus strand (C>T on the coding strand, the complement: PLEC is on the minus strand). VCF-style: chr8-143922779-G-A. GRCh37 (hg19) VCF-style: chr8-144996947-G-A.
Other names: c.7231C>T (NM_000445.3); c.7231C>T, p.Arg2411Cys (NM_000445.5); c.7108C>T, p.Arg2370Cys (NM_201378.4); c.7084C>T, p.Arg2362Cys (NM_201379.3); c.7561C>T, p.Arg2521Cys (NM_201380.4); c.7054C>T, p.Arg2352Cys (NM_201381.3); c.7150C>T, p.Arg2384Cys (NM_201382.4); c.7162C>T, p.Arg2388Cys (NM_201383.3); and 1 more; short protein forms R2352C, R2370C, R2388C, R2411C, R2521C, R2362C, R2384C.
Identifiers: ClinVar variation 2922751 (VCV002922751.4), dbSNP rs1200896374, ClinGen allele CA372529443.
Genomic context (GRCh38, chr8:143,922,779, plus strand): 5'-GGGCGTCCTCCTCAGCGCGGGCCTGGGCTCGGCTCATCTCGGCCACACGCAGCTTGAGGC[G>A]CTCAGCCTCAGCGCTCATCTCCAGCTGCCGCTGCCGCTCGGCCTCCAGCGTCCGCTGGAA-3'
Protein context (NP_958786.1, residues 2374-2394): RQLEMSAEAE[Arg2384Cys]LKLRVAEMSR